The following is an entry in ClinVar:

ClinVar aggregate classification (germline): Benign/Likely benign. Review status: criteria provided, multiple submitters, no conflicts (2 of 4 stars). 4 submissions from 4 submitters: Benign (1); Likely benign (3). Last evaluated 2026-07-16.

Conditions:
Hereditary cancer-predisposing syndrome. Also called: Hereditary Cancer Syndrome; Tumor predisposition; Hereditary neoplastic syndrome; Neoplastic Syndromes, Hereditary. Identifiers: Orphanet 140162, MedGen C0027672, MeSH D009386, MONDO:0015356.
Rhabdoid tumor predisposition syndrome 2 (RTPS2). Identifiers: Orphanet 231108, Orphanet 69077, MedGen C2750074, MONDO:0013224, OMIM 613325.

Allele frequency attached by ClinVar (database versions not stated): gnomAD exomes 0.00001 and 0.00002; TOPMed 0.00002; ExAC 0.00003; gnomAD 0.00001.
gnomAD v4.1: 19 of 1,612,824 alleles (0.0012%); highest among the groups gnomAD compares: East Asian, 0.0045%; no homozygotes.

Submissions (4):

Myriad Genetics, Inc.
Classification: Benign for Rhabdoid tumor predisposition syndrome 2. Last evaluated: 2026-07-16. Review status: criteria provided, single submitter. Criteria: Myriad Autosomal Dominant, Autosomal Recessive and X-Linked Classification Criteria (2023). Collection method: clinical testing. Allele origin: unknown.
Comment: This variant is considered benign. This variant is a silent/synonymous amino acid change and it is not expected to impact splicing.

Labcorp Genetics (formerly Invitae), Labcorp
Classification: Likely benign for Rhabdoid tumor predisposition syndrome 2. Last evaluated: 2025-12-26. Review status: criteria provided, single submitter. Criteria: Invitae Variant Classification Sherloc (09022015). Collection method: clinical testing. Allele origin: germline.

Sema4
Classification: Likely benign for Hereditary cancer-predisposing syndrome. Last evaluated: 2021-05-21. Review status: criteria provided, single submitter. Criteria: Sema4 Curation Guidelines. Collection method: curation. Allele origin: germline.

Ambry Genetics
Classification: Likely benign for Hereditary cancer-predisposing syndrome. Last evaluated: 2015-11-08. Review status: criteria provided, single submitter. Criteria: Ambry Variant Classification Scheme 2023. Collection method: clinical testing. Allele origin: germline.

NM_003072.5(SMARCA4):c.4140C>T (p.Ser1380=)

Gene: SMARCA4 (SWI/SNF related BAF chromatin remodeling complex subunit ATPase 4; plus strand). Cytogenetic location: 19p13.2.
Variant type: single nucleotide variant.
Coding change: c.4140C>T on transcript NM_003072.5 (MANE Select); coding-DNA position 4140, C replaced by T.
Protein change: p.Ser1380=; no amino-acid change (serine 1380 retained).
Molecular consequence: synonymous variant. On other transcripts: non-coding transcript variant (1).
Genome position (GRCh38, 1-based): chr19:11,035,102, C>T. VCF-style: chr19-11035102-C-T. GRCh37 (hg19) VCF-style: chr19-11145778-C-T.
Other names: c.4140C>T, p.Ser1380= (NM_001128849.3, NM_001387283.1, NM_001128844.3); c.4041C>T, p.Ser1347= (NM_001374457.1, NM_001128845.2, NM_001128846.2 and 2 more transcripts).
Identifiers: ClinVar variation 238449 (VCV000238449.18), dbSNP rs755059270, ClinGen allele CA9204592.
Genomic context (GRCh38, chr19:11,035,102, plus strand): 5'-GGAGGAGGAGGAGAAGATGTTCGGCCGTGGCTCCCGCCACCGCAAGGAGGTGGACTACAG[C>T]GACTCACTGACGGAGAAGCAGTGGCTCAAGGTACATGCTGGAGAGGCCCAGCAGCTGCCG-3'
Protein context (NP_003063.2, residues 1370-1390): GSRHRKEVDY[Ser1380=]DSLTEKQWLK